The following continues an entry in ClinVar:

NM_020937.4(FANCM):c.5101C>T (p.Gln1701Ter)

Gene: FANCM. ClinVar aggregate classification (germline): Conflicting classifications of pathogenicity. Pathogenic (7); Likely pathogenic (7); Uncertain significance (1).

Submissions 13 to 18 of 18:

Quest Diagnostics Nichols Institute San Juan Capistrano
Classification: Pathogenic. Last evaluated: 2022-04-24. Review status: criteria provided, single submitter. Criteria: Quest Diagnostics criteria. Collection method: clinical testing. Allele origin: unknown.
Comment: This nonsense variant causes the premature termination of FANCM protein synthesis, however, experimental studies suggest that this variant may not lead to nonsense mediated decay (PMIDs: 25288723 (2014) and 29231814 (2017)). In the published literature, the variant has been reported in affected individuals with breast cancer (PMIDs: 26822949 (2016), 28837162 (2018), and 30426508 (2018)), prostate cancer (PMID: 32338768 (2020), and cervical, colorectal, and pancreatic cancers (PMID: 31263571 (2019)), as well as in controls (PMID: 33471991 (2021)). In the homozygous state, it has been associated with azoospermia and primary ovarian insufficiency (PMIDs: 29231814 (2017) and 30075111 (2018)). When seen with another pathogenic FANCM variant, bone marrow failure was observed (PMID: 32054657 (2020)). Functional studies found that this variant increased chromosome fragility, decreased DNA repair activity, and absent protein expression (PMIDs: 29231814 (2017) and 31700994 (2019)). Segregation for this variant was found to be inconclusive (PMIDs: 25288723 (2014), 28033443 (2017), and 28837162 (2018)). Due to possible founder effects, this variant is enriched in the general European/Finnish population. Based on the available information, this variant is classified as pathogenic with reduced penetrance.

Mendelics
Classification: Likely pathogenic for Fanconi anemia complementation group A. Last evaluated: 2019-05-28. Review status: criteria provided, single submitter. Criteria: Mendelics Assertion Criteria 2017. Collection method: clinical testing. Allele origin: unknown.

Division of Medical Genetics, University of Washington
Classification: Pathogenic for Familial cancer of breast. Last evaluated: 2019-04-01. Review status: criteria provided, single submitter. Criteria: ACMG Guidelines, 2015. Collection method: clinical testing. Allele origin: germline. Affected: no. Study: CSER_CHARM.
Comment: The c.5101C>T nonsense variant creates a premature stop codon; however, functional studies suggest this variant may not lead to nonsense mediated decay (Kiiski 2014). The c.5101C>T variant has an allele frequency of 0.0009 in the Broad Institute ExAC Browser and is more common in individuals from the Finnish population (Kiiski 2014). The c.5101C>T variant has been reported more frequently in individuals with breast cancer than controls, particularly in patients with familial breast cancer or triple negative breast cancer, and is associated with a 2.5-3 fold increased risk for breast cancer. The c.5101C>T variant has also shown incomplete segregation with disease (Kiiski 2014). Evidence is conflicting regarding if being compound heterozygous or homozygous for pathogenic variants in FANCM causes Fanconi Anemia (Singh 2009, Lim 2014, Meetei 2015, Nicchia 2015]. To our knowledge, this variant has not been reported in an individual with Fanconi Anemia. Thus, the c.5101C>T variant is a pathogenic, low penetrance variant associated with an increased risk for breast cancer.

OMIM
Classification: Pathogenic for SPERMATOGENIC FAILURE 28. Last evaluated: 2024-07-23. Review status: no assertion criteria provided. Collection method: literature only. Allele origin: germline. Not counted in ClinVar's aggregate classification.

OMIM
Classification: Pathogenic for PREMATURE OVARIAN FAILURE 15. Last evaluated: 2024-07-23. Review status: no assertion criteria provided. Collection method: literature only. Allele origin: germline. Not counted in ClinVar's aggregate classification.

Institute for Clinical Genetics, University Hospital TU Dresden, University Hospital TU Dresden
Classification: Uncertain significance. Last evaluated: 2021-11-03. Review status: flagged submission. Criteria: ACMG Guidelines, 2015. Collection method: clinical testing. Allele origin: germline. Not counted in ClinVar's aggregate classification.
ClinVar note: Reason: Outlier claim with insufficient supporting evidence

Literature cited by the submitters: PubMed 25288723 (cited by Labcorp Genetics (formerly Invitae), Labcorp and Quest Diagnostics Nichols Institute San Juan Capistrano); PubMed 31700994 (cited by 3 submitters); PubMed 17289582 (cited by Labcorp Genetics (formerly Invitae), Labcorp); PubMed 23932590 (cited by Labcorp Genetics (formerly Invitae), Labcorp); PubMed 18174376 (cited by Labcorp Genetics (formerly Invitae), Labcorp); PubMed 19379763 (cited by Labcorp Genetics (formerly Invitae), Labcorp); PubMed 24003026 (cited by Labcorp Genetics (formerly Invitae), Labcorp); PubMed 29231814 (cited by 3 submitters); DOI 10.1016/j.ajhg.2024.03.013 (cited by Laan Lab, Human Genetics Research Group, University of Tartu); PubMed 26822949 (cited by Quest Diagnostics Nichols Institute San Juan Capistrano); PubMed 28033443 (cited by Quest Diagnostics Nichols Institute San Juan Capistrano); PubMed 30426508 (cited by Quest Diagnostics Nichols Institute San Juan Capistrano); PubMed 30075111 (cited by Quest Diagnostics Nichols Institute San Juan Capistrano and OMIM); PubMed 28837162 (cited by Quest Diagnostics Nichols Institute San Juan Capistrano); PubMed 34117267 (cited by Quest Diagnostics Nichols Institute San Juan Capistrano); PubMed 32338768 (cited by Quest Diagnostics Nichols Institute San Juan Capistrano); PubMed 32054657 (cited by Quest Diagnostics Nichols Institute San Juan Capistrano); PubMed 33099839 (cited by Quest Diagnostics Nichols Institute San Juan Capistrano); PubMed 33471991 (cited by Quest Diagnostics Nichols Institute San Juan Capistrano); PubMed 31263571 (cited by Quest Diagnostics Nichols Institute San Juan Capistrano); PubMed 31589614 (cited by Quest Diagnostics Nichols Institute San Juan Capistrano); PubMed 36099812 (cited by OMIM).